The following is an entry in ClinVar:

ClinVar aggregate classification (germline): Uncertain significance (1 of 4 stars; one submission).

Allele frequency attached by ClinVar (database versions not stated): gnomAD exomes 0.00002.

Submission:

Labcorp Genetics (formerly Invitae), Labcorp
Classification: Uncertain significance. Last evaluated: 2022-03-04. Review status: criteria provided, single submitter. Criteria: Invitae Variant Classification Sherloc (09022015). Collection method: clinical testing. Allele origin: germline.
Comment: In summary, the available evidence is currently insufficient to determine the role of this variant in disease. Therefore, it has been classified as a Variant of Uncertain Significance. This sequence change replaces methionine, which is neutral and non-polar, with valine, which is neutral and non-polar, at codon 71 of the CLDN16 protein (p.Met71Val). This variant is present in population databases (no rsID available, gnomAD 0.003%). This missense change has been observed in individual(s) with hypomagnesemia with hypercalciuria and nephrocalcinosis (PMID: 21633858). Algorithms developed to predict the effect of missense changes on protein structure and function are either unavailable or do not agree on the potential impact of this missense change (SIFT: "Deleterious"; PolyPhen-2: "Benign"; Align-GVGD: "Class C15"). This variant disrupts the p.Met71 amino acid residue in CLDN16. Other variant(s) that disrupt this residue have been observed in individuals with CLDN16-related conditions (PMID: 18003771), which suggests that this may be a clinically significant amino acid residue.

Literature cited by the submitters: PubMed 21633858; PubMed 18003771.

NM_006580.4(CLDN16):c.1A>G (p.Met1Val)

Gene: CLDN16 (claudin 16; plus strand). Cytogenetic location: 3q28.
Variant type: single nucleotide variant.
Coding change: c.1A>G on transcript NM_006580.4 (MANE Select); coding-DNA position 1, A replaced by G.
Protein change: p.Met1Val; changes the start codon (methionine 1).
Molecular consequence: missense variant, initiator codon variant.
Genome position (GRCh38, 1-based): chr3:190,388,330, A>G. VCF-style: chr3-190388330-A-G. GRCh37 (hg19) VCF-style: chr3-190106119-A-G.
Other names: c.1A>G, p.Met1Val (NM_001378492.1, NM_001378493.1); short protein forms M1V.
Identifiers: ClinVar variation 2203471 (VCV002203471.5), dbSNP rs1318788506, ClinGen allele CA355762537.